The following is an entry in ClinVar:

NM_001277115.2(DNAH11):c.13288G>C (p.Gly4430Arg)

Gene: DNAH11 (dynein axonemal heavy chain 11; plus strand). Cytogenetic location: 7p15.3.
Variant type: single nucleotide variant.
Coding change: c.13288G>C on transcript NM_001277115.2 (MANE Select); coding-DNA position 13288, G replaced by C.
Protein change: p.Gly4430Arg; replaces glycine 4430 with arginine.
Molecular consequence: missense variant.
Genome position (GRCh38, 1-based): chr7:21,900,105, G>C. VCF-style: chr7-21900105-G-C. GRCh37 (hg19) VCF-style: chr7-21939723-G-C.
Other names: NM_001277115.2(DNAH11):c.13288G>C; p.Gly4430Arg; short protein forms G4430R.
Identifiers: ClinVar variation 916129 (VCV000916129.2), dbSNP rs1275074212, ClinGen allele CA366956303.

ClinVar aggregate classification (germline): Conflicting classifications of pathogenicity. Review status: criteria provided, conflicting classifications (1 of 4 stars). 2 submissions from 2 submitters: Likely pathogenic (1); Uncertain significance (1). Last evaluated 2025-02-20.

Conditions:
Primary ciliary dyskinesia. Also called: Ciliary dyskinesia. Identifiers: Orphanet 244, MedGen C0008780, MONDO:0016575, HP:0012265.
Primary ciliary dyskinesia 7. Also called: CILIARY DYSKINESIA, PRIMARY, 7, WITH OR WITHOUT SITUS INVERSUS. Identifiers: Orphanet 244, MedGen C2678473, MONDO:0012748, OMIM 611884.

gnomAD v4.1: 3 of 1,613,500 alleles (0.00019%); highest among the groups gnomAD compares: Non-Finnish European, 0.00017%; no homozygotes.

Submissions (2):

Broad Center for Mendelian Genomics, Broad Institute of MIT and Harvard
Classification: Uncertain significance for Primary ciliary dyskinesia 7. Last evaluated: 2025-02-20. Review status: criteria provided, single submitter. Criteria: ACMG Guidelines, 2015. Collection method: curation. Allele origin: germline. Inheritance: Autosomal recessive inheritance.
Comment: The p.Gly4430Arg variant in DNAH11 has not been previously reported in the literature in individuals with primary ciliary dyskinesia, but has been identified in 0.002% (2/1179688) of European (non-Finnish) chromosomes by the Genome Aggregation Database (gnomAD; dbSNP rs1275074212). Although this variant has been seen in the general population in a heterozygous state, its frequency is low enough to be consistent with a recessive carrier frequency. This variant has also been reported in ClinVar (Variation ID: 916129) and has been interpreted as likely pathogenic by Centre for Genomic and Experimental Medicine (University of Edinburgh). Computational prediction tools and conservation analyses do not provide strong support for or against an impact to the protein. In summary, the clinical significance of the p.Gly4430Arg variant is uncertain. ACMG/AMP Criteria applied: PM2_supporting (Richards 2015).

Centre for Genomic and Experimental Medicine, University of Edinburgh
Classification: Likely pathogenic for Primary ciliary dyskinesia. Last evaluated: 2020-04-01. Review status: criteria provided, single submitter. Criteria: ACMG Guidelines, 2015. Collection method: research. Allele origin: inherited, unknown. Affected: yes and no. Observed: 1 heterozygote, 1 compound heterozygote.